The following is an entry in ClinVar:

ClinVar aggregate classification (germline): Uncertain significance (1 of 4 stars; one submission).

Conditions:
Interstitial lung disease due to ABCA3 deficiency. Also called: PULMONARY ALVEOLAR PROTEINOSIS, CONGENITAL, 3. Identifiers: Orphanet 440402, MedGen C1970456, MONDO:0012582, OMIM 610921.

Allele frequency attached by ClinVar (database versions not stated): gnomAD 0.00001; TOPMed 0.00001; gnomAD exomes 0.00003; ExAC 0.00004; 1000 Genomes Project 30x 0.00016; 1000 Genomes Project 0.00020.
gnomAD v4.1: 35 of 1,613,524 alleles (0.0022%); highest among the groups gnomAD compares: South Asian, 0.027%; no homozygotes.

Submission:

Johns Hopkins Genomics, Johns Hopkins University
Classification: Uncertain significance for Interstitial lung disease due to ABCA3 deficiency. Last evaluated: 2019-06-23. Review status: criteria provided, single submitter. Criteria: ACMG Guidelines, 2015. Collection method: clinical testing. Allele origin: germline.
Comment: This ABCA3 variant (rs557707047) is rare (<0.1%) in a large population dataset (gnomAD: 7/251094 total alleles; 0.003%; no homozygotes). ABCA3 c.4466G>A has not been reported in ClinVar nor the literature, to our knowledge. Two bioinformatic tools queried predict that this substitution would be tolerated, and the arginine residue at this position is poorly evolutionarily conserved across the species assessed. This variant is located within a well-established functional domain called the nucleotide-binding domain 2 (NBD2). The clinical significance of c.4466G>A is uncertain at this time.

NM_001089.3(ABCA3):c.4466G>A (p.Arg1489His)

Gene: ABCA3 (ATP binding cassette subfamily A member 3; minus strand). Cytogenetic location: 16p13.3.
Variant type: single nucleotide variant.
Coding change: c.4466G>A on transcript NM_001089.3 (MANE Select); coding-DNA position 4466, G replaced by A.
Protein change: p.Arg1489His; replaces arginine 1489 with histidine.
Molecular consequence: missense variant.
Genome position (GRCh38, 1-based): chr16:2,279,024, C>T on the plus strand (G>A on the coding strand, the complement: ABCA3 is on the minus strand). VCF-style: chr16-2279024-C-T. GRCh37 (hg19) VCF-style: chr16-2329025-C-T.
Other names: short protein forms R1489H.
Identifiers: ClinVar variation 689465 (VCV000689465.1), dbSNP rs557707047, ClinGen allele CA7840114.
Genomic context (GRCh38, chr16:2,279,024, plus strand): 5'-TTGGCATGTGGCTCCAGCAGCAGGCCCCGCAGAGTGTTCTCCACGCAGGCCCCGATGTGG[C>T]GCTCAGGGATGCCCCGGAGCCGAGCGTACATGACCAGCATCTCCCGGCCTGTCATGTGGT-3'
Protein context (NP_001080.2, residues 1479-1499): MYARLRGIPE[Arg1489His]HIGACVENTL